The following is an entry in ClinVar:

NM_000095.3(COMP):c.1146C>A (p.Asn382Lys)

Gene: COMP (cartilage oligomeric matrix protein; minus strand). Cytogenetic location: 19p13.11.
Variant type: single nucleotide variant.
Coding change: c.1146C>A on transcript NM_000095.3 (MANE Select); coding-DNA position 1146, C replaced by A.
Protein change: p.Asn382Lys; replaces asparagine 382 with lysine.
Molecular consequence: missense variant.
Genome position (GRCh38, 1-based): chr19:18,786,640, G>T on the plus strand (C>A on the coding strand, the complement: COMP is on the minus strand). VCF-style: chr19-18786640-G-T. GRCh37 (hg19) VCF-style: chr19-18897450-G-T.
Other names: short protein forms N382K.
Identifiers: ClinVar variation 4771763 (VCV004771763.1).

ClinVar aggregate classification (germline): Uncertain significance (1 of 4 stars; one submission).

Submission:

Labcorp Genetics (formerly Invitae), Labcorp
Classification: Uncertain significance. Last evaluated: 2025-06-02. Review status: criteria provided, single submitter. Criteria: Invitae Variant Classification Sherloc (09022015). Collection method: clinical testing. Allele origin: germline.
Comment: This sequence change replaces asparagine, which is neutral and polar, with lysine, which is basic and polar, at codon 382 of the COMP protein (p.Asn382Lys). This variant is not present in population databases (gnomAD no frequency). This variant has not been reported in the literature in individuals affected with COMP-related conditions. Invitae Evidence Modeling of protein sequence and biophysical properties (such as structural, functional, and spatial information, amino acid conservation, physicochemical variation, residue mobility, and thermodynamic stability) indicates that this missense variant is expected to disrupt COMP protein function with a positive predictive value of 80%. In summary, the available evidence is currently insufficient to determine the role of this variant in disease. Therefore, it has been classified as a Variant of Uncertain Significance.